The following is an entry in ClinVar:

ClinVar aggregate classification (germline): Uncertain significance (1 of 4 stars; one submission).

gnomAD v4.1: 1 of 1,613,726 alleles (0.000062%); highest among the groups gnomAD compares: African/African-American, 0.0013%; no homozygotes.

Submission:

Women's Health and Genetics/Laboratory Corporation of America, LabCorp
Classification: Uncertain significance. Last evaluated: 2026-06-11. Review status: criteria provided, single submitter. Criteria: LabCorp Variant Classification Summary - May 2015. Collection method: clinical testing. Allele origin: germline.
Comment: Variant summary: VPS13A c.6310A>C (p.Ile2104Leu) results in a conservative amino acid change in the encoded protein sequence. Algorithms developed to predict the effect of missense changes on protein structure and function all suggest that this variant is likely to be tolerated. The variant was absent in 251152 control chromosomes. The available data on variant occurrences in the general population are insufficient to allow any conclusion about variant significance. To our knowledge, no occurrence of c.6310A>C in individuals affected with VPS13A-related conditions and no experimental evidence demonstrating its impact on protein function have been reported. No submitters have cited clinical-significance assessments for this variant to ClinVar. Based on the evidence outlined above, the variant was classified as uncertain significance.

NM_033305.3(VPS13A):c.6310A>C (p.Ile2104Leu)

Gene: VPS13A (vacuolar protein sorting 13 homolog A; plus strand). Cytogenetic location: 9q21.2.
Variant type: single nucleotide variant.
Coding change: c.6310A>C on transcript NM_033305.3 (MANE Select); coding-DNA position 6310, A replaced by C.
Protein change: p.Ile2104Leu; replaces isoleucine 2104 with leucine.
Molecular consequence: missense variant.
Genome position (GRCh38, 1-based): chr9:77,337,469, A>C. VCF-style: chr9-77337469-A-C. GRCh37 (hg19) VCF-style: chr9-79952385-A-C.
Other names: c.6193A>C, p.Ile2065Leu (NM_001018037.2); c.6310A>C, p.Ile2104Leu (NM_001018038.3, NM_015186.4); short protein forms I2065L, I2104L.
Identifiers: ClinVar variation 4887326 (VCV004887326.1).